The following is an entry in ClinVar:

ClinVar aggregate classification (germline): Uncertain significance (1 of 4 stars; one submission).

Conditions:
TNNI2-related disorder. Also called: TNNI2-related condition.

Submission:

PreventionGenetics, part of Exact Sciences
Classification: Uncertain significance for TNNI2-related condition. Last evaluated: 2025-05-30. Review status: criteria provided, single submitter. Criteria: ACMG Guidelines, 2015. Collection method: clinical testing. Allele origin: germline.
Comment: The TNNI2 c.400_401delTG variant is predicted to result in a frameshift and premature protein termination (p.Cys134Hisfs*26). To our knowledge, this variant has not been reported in the literature or in a large population database (gnomAD), indicating this variant is rare. At this time, the clinical significance of this variant is uncertain due to the absence of conclusive functional and genetic evidence.

NM_003282.4(TNNI2):c.400_401del (p.Cys134fs)

Gene: TNNI2 (troponin I2, fast skeletal type; plus strand). Cytogenetic location: 11p15.5.
Variant type: Microsatellite.
Coding change: c.400_401del on transcript NM_003282.4 (MANE Select); coding-DNA positions 400 to 401, 2 bases deleted (TG; older notation c.400_401delTG).
Protein change: p.Cys134fs; shifts the reading frame from cysteine 134.
Molecular consequence: frameshift variant.
Genome position (GRCh38, 1-based): chr11:1,841,154-1,841,155, TG deleted; deleting any 2 consecutive bases within chr11:1,841,151-1,841,155 gives the same sequence; the c. name uses the placement nearest the transcript's 3' end. VCF-style (leftmost placement, unchanged base first): chr11-1841150-GGT-G. GRCh37 (hg19) VCF-style: chr11-1862380-GGT-G.
Other names: c.400_401del, p.Cys134fs (NM_001145829.2, NM_001145841.2); short protein forms C134fs.
Identifiers: ClinVar variation 4999014 (VCV004999014.1).
Genomic context (GRCh38, chr11:1,841,150, plus strand): 5'-GCGGAGGGTGCGCATGTCGGCCGATGCCATGCTCAAGGCCCTGCTGGGCTCGAAGCACAA[GGT>G]GTGCATGGACCTGAGGGCCAACCTGAAGCAGGTCAAGAAGGAGGACACAGAGAAGGTGCG-3'